The following is an entry in ClinVar:

ClinVar aggregate classification (germline): Benign (0 of 4 stars; one submission).

Conditions:
CCL11-related disorder. Also called: CCL11-related condition.

Allele frequency attached by ClinVar (database versions not stated): 1000 Genomes Project 30x 0.14085; 1000 Genomes Project 0.14437; TOPMed 0.14626; ESP Exome Variant Server 0.14970.
gnomAD v4.1: 271,959 of 1,607,948 alleles (17%); highest among the groups gnomAD compares: Middle Eastern, 19%; 23,606 homozygotes.

Submission:

PreventionGenetics, part of Exact Sciences
Classification: Benign for CCL11-related condition. Last evaluated: 2019-10-25. Review status: no assertion criteria provided. Collection method: clinical testing. Allele origin: germline.
Comment: This variant is classified as benign based on ACMG/AMP sequence variant interpretation guidelines (Richards et al. 2015 PMID: 25741868, with internal and published modifications).

NM_002986.3(CCL11):c.67G>A (p.Ala23Thr)

Gene: CCL11 (C-C motif chemokine ligand 11; plus strand). Cytogenetic location: 17q12.
Variant type: single nucleotide variant.
Coding change: c.67G>A on transcript NM_002986.3 (MANE Select); coding-DNA position 67, G replaced by A.
Protein change: p.Ala23Thr; replaces alanine 23 with threonine.
Molecular consequence: missense variant.
Genome position (GRCh38, 1-based): chr17:34,285,875, G>A. VCF-style: chr17-34285875-G-A. GRCh37 (hg19) VCF-style: chr17-32612894-G-A.
Other names: short protein forms A23T.
Identifiers: ClinVar variation 3059737 (VCV003059737.2), dbSNP rs1129844, ClinGen allele CA8495693.